The following is an entry in ClinVar:

NM_145068.4(TRPV3):c.1435A>T (p.Met479Leu)

Gene: TRPV3 (transient receptor potential cation channel subfamily V member 3; minus strand). Cytogenetic location: 17p13.2.
Variant type: single nucleotide variant.
Coding change: c.1435A>T on transcript NM_145068.4 (MANE Select); coding-DNA position 1435, A replaced by T.
Protein change: p.Met479Leu; replaces methionine 479 with leucine.
Molecular consequence: missense variant.
Genome position (GRCh38, 1-based): chr17:3,528,093, T>A on the plus strand (A>T on the coding strand, the complement: TRPV3 is on the minus strand). VCF-style: chr17-3528093-T-A. GRCh37 (hg19) VCF-style: chr17-3431387-T-A.
Other names: c.1435A>T, p.Met479Leu (NM_001258205.2); short protein forms M479L.
Identifiers: ClinVar variation 322769 (VCV000322769.13), dbSNP rs114131791, ClinGen allele CA8289459.

ClinVar aggregate classification (germline): Benign. Review status: criteria provided, multiple submitters, no conflicts (2 of 4 stars). 4 submissions from 4 submitters: Benign (3). 1 of the submissions does not count toward it. Last evaluated 2026-01-11.

Conditions:
Isolated focal non-epidermolytic palmoplantar keratoderma. Also called: Palmoplantar keratoderma, nonepidermolytic, focal 2. Identifiers: Orphanet 448264, MedGen C4225339, MONDO:0014622, OMIM 616400.
TRPV3-related disorder. Also called: TRPV3-related condition.

Allele frequency attached by ClinVar (database versions not stated): ESP Exome Variant Server 0.02430; gnomAD 0.02536; 1000 Genomes Project 0.03474; 1000 Genomes Project 30x 0.03513; TOPMed 0.02724.
gnomAD v4.1: 22,752 of 1,613,464 alleles (1.4%); highest among the groups gnomAD compares: East Asian, 6.9%; 357 homozygotes.

Submissions (4):

Labcorp Genetics (formerly Invitae), Labcorp
Classification: Benign. Last evaluated: 2026-01-11. Review status: criteria provided, single submitter. Criteria: Invitae Variant Classification Sherloc (09022015). Collection method: clinical testing. Allele origin: germline.

Illumina Laboratory Services, Illumina
Classification: Benign for Isolated focal non-epidermolytic palmoplantar keratoderma. Last evaluated: 2018-01-13. Review status: criteria provided, single submitter. Criteria: ICSL Variant Classification Criteria 13 December 2019. Collection method: clinical testing. Allele origin: germline.
Comment: This variant was observed in the ICSL laboratory as part of a predisposition screen in an ostensibly healthy population. It had not been previously curated by ICSL or reported in the Human Gene Mutation Database (HGMD: prior to June 1st, 2018), and was therefore a candidate for classification through an automated scoring system. Utilizing variant allele frequency, disease prevalence and penetrance estimates, and inheritance mode, an automated score was calculated to assess if this variant is too frequent to cause the disease. Based on the score and internal cut-off values, a variant classified as benign is not then subjected to further curation. The score for this variant resulted in a classification of benign for this disease.

Breakthrough Genomics
Classification: Benign. Review status: criteria provided, single submitter. Criteria: ACMG Guidelines, 2015. Collection method: not provided. Allele origin: germline. Inheritance: Autosomal dominant inheritance. Affected: yes.

PreventionGenetics, part of Exact Sciences
Classification: Benign for TRPV3-related condition. Last evaluated: 2024-05-16. Review status: no assertion criteria provided. Collection method: clinical testing. Allele origin: germline. Not counted in ClinVar's aggregate classification.
Comment: This variant is classified as benign based on ACMG/AMP sequence variant interpretation guidelines (Richards et al. 2015 PMID: 25741868, with internal and published modifications).